The following is an entry in ClinVar:

NM_000257.4(MYH7):c.3085C>G (p.Gln1029Glu)

Gene: MYH7 (myosin heavy chain 7; minus strand). Cytogenetic location: 14q11.2.
Variant type: single nucleotide variant.
Coding change: c.3085C>G on transcript NM_000257.4 (MANE Select); coding-DNA position 3085, C replaced by G.
Protein change: p.Gln1029Glu; replaces glutamine 1029 with glutamic acid.
Molecular consequence: missense variant.
Genome position (GRCh38, 1-based): chr14:23,423,561, G>C on the plus strand (C>G on the coding strand, the complement: MYH7 is on the minus strand). VCF-style: chr14-23423561-G-C. GRCh37 (hg19) VCF-style: chr14-23892770-G-C.
Other names: c.3085C>G, p.Gln1029Glu (NM_001407004.1); short protein forms Q1029E.
Identifiers: ClinVar variation 2175239 (VCV002175239.7), dbSNP rs2502277599, ClinGen allele CA389045667.

ClinVar aggregate classification (germline): Uncertain significance. Review status: criteria provided, multiple submitters, no conflicts (2 of 4 stars). 3 submissions from 3 submitters: Uncertain significance (3). Last evaluated 2024-03-24.

Conditions:
Hypertrophic cardiomyopathy. Also called: HYPERTROPHIC MYOCARDIOPATHY. Identifiers: Orphanet 217569, MedGen C0007194, MeSH D002312, MONDO:0005045, HP:0001639.
Cardiomyopathy (CMYO). Also called: Cardiomyopathies. Identifiers: Orphanet 167848, MedGen C0878544, MONDO:0004994, HP:0001638. Inheritance: Various modes of inheritance.

Allele frequency attached by ClinVar (database versions not stated): gnomAD exomes below 0.00001.
gnomAD v4.1: 3 of 1,613,344 alleles (0.00019%); highest among the groups gnomAD compares: Non-Finnish European, 0.00025%; no homozygotes.

Submissions (3):

All of Us Research Program, National Institutes of Health
Classification: Uncertain significance for Cardiomyopathy. Last evaluated: 2024-03-24. Review status: criteria provided, single submitter. Criteria: ACMG Guidelines, 2015. Collection method: clinical testing. Allele origin: germline. Inheritance: Autosomal dominant inheritance. Observed: 3 variant alleles, 3 heterozygotes.
Comment: This missense variant replaces glutamine with glutamic acid at codon 1029 of the MYH7 protein. Computational prediction is inconclusive regarding the impact of this variant on protein structure and function (internally defined REVEL score threshold 0.5 < inconclusive < 0.7, PMID: 27666373). To our knowledge, functional studies have not been reported for this variant. This variant has not been reported in individuals affected with cardiovascular disorders in the literature. This variant has not been identified in the general population by the Genome Aggregation Database (gnomAD). The available evidence is insufficient to determine the role of this variant in disease conclusively. Therefore, this variant is classified as a Variant of Uncertain Significance.

This study involves interpretation of variants in research participants for the purpose of population health screening. Participant phenotype was not available at the time of variant classification. Additional details can be found in publication PMID: 35346344, PMCID: PMC8962531

Color Diagnostics, LLC DBA Color Health
Classification: Uncertain significance for Cardiomyopathy. Last evaluated: 2024-03-06. Review status: criteria provided, single submitter. Criteria: ACMG Guidelines, 2015. Collection method: clinical testing. Allele origin: germline.
Comment: This missense variant replaces glutamine with glutamic acid at codon 1029 of the MYH7 protein. Computational prediction tools indicate that this variant's impact on protein structure and function is inconclusive. To our knowledge, functional studies have not been reported for this variant. This variant has not been reported in individuals affected with MYH7-related disorders in the literature. This variant has not been identified in the general population by the Genome Aggregation Database (gnomAD). The available evidence is insufficient to determine the role of this variant in disease conclusively. Therefore, this variant is classified as a Variant of Uncertain Significance.

Labcorp Genetics (formerly Invitae), Labcorp
Classification: Uncertain significance for Hypertrophic cardiomyopathy. Last evaluated: 2023-04-19. Review status: criteria provided, single submitter. Criteria: Invitae Variant Classification Sherloc (09022015). Collection method: clinical testing. Allele origin: germline.
Comment: In summary, the available evidence is currently insufficient to determine the role of this variant in disease. Therefore, it has been classified as a Variant of Uncertain Significance. Advanced modeling of protein sequence and biophysical properties (such as structural, functional, and spatial information, amino acid conservation, physicochemical variation, residue mobility, and thermodynamic stability) performed at Invitae indicates that this missense variant is expected to disrupt MYH7 protein function. ClinVar contains an entry for this variant (Variation ID: 2175239). This variant has not been reported in the literature in individuals affected with MYH7-related conditions. This variant is not present in population databases (gnomAD no frequency). This sequence change replaces glutamine, which is neutral and polar, with glutamic acid, which is acidic and polar, at codon 1029 of the MYH7 protein (p.Gln1029Glu).